The following is an entry in ClinVar:

ClinVar aggregate classification (germline): Uncertain significance (1 of 4 stars; one submission).

Conditions:
Cardiovascular phenotype. Identifiers: MedGen CN230736.

Submission:

Ambry Genetics
Classification: Uncertain significance for Cardiovascular phenotype. Last evaluated: 2024-07-24. Review status: criteria provided, single submitter. Criteria: Ambry Variant Classification Scheme 2023. Collection method: clinical testing. Allele origin: germline.
Comment: The p.V1520M variant (also known as c.4558G>A), located in coding exon 11 of the TNXB gene, results from a G to A substitution at nucleotide position 4558. The valine at codon 1520 is replaced by methionine, an amino acid with highly similar properties. This amino acid position is conserved. In addition, this alteration is predicted to be tolerated by in silico analysis. Based on the available evidence, the clinical significance of this variant remains unclear.

NM_001365276.2(TNXB):c.4558G>A (p.Val1520Met)

Gene: TNXB (tenascin XB; minus strand). Cytogenetic location: 6p21.33.
Variant type: single nucleotide variant.
Coding change: c.4558G>A on transcript NM_001365276.2 (MANE Select); coding-DNA position 4558, G replaced by A.
Protein change: p.Val1520Met; replaces valine 1520 with methionine.
Molecular consequence: missense variant.
Genome position (GRCh38, 1-based): chr6:32,073,770, C>T on the plus strand (G>A on the coding strand, the complement: TNXB is on the minus strand). VCF-style: chr6-32073770-C-T. GRCh37 (hg19) VCF-style: chr6-32041547-C-T.
Other names: c.5299G>A, p.Val1767Met (NM_001428335.1); c.4558G>A, p.Val1520Met (NM_019105.8); short protein forms V1767M, V1520M.
Identifiers: ClinVar variation 3459760 (VCV003459760.1).
Genomic context (GRCh38, chr6:32,073,770, plus strand): 5'-TCTTATATTTTCTCTCAGGCTCCAGGTTGTAGACTGTGACCTCTCGCTGGTCTGCCGCCA[C>T]CGGCACCACCTGGGGCTGCCCGTCCTTGTCCTTGTACTGGACTATGAAGGAGTCAAACTG-3'
Protein context (NP_001352205.1, residues 1510-1530): DKDGQPQVVP[Val1520Met]AADQREVTVY